The following is an entry in ClinVar:

ClinVar aggregate classification (germline): Uncertain significance (1 of 4 stars; one submission).

Submission:

GeneDx
Classification: Uncertain significance. Last evaluated: 2024-08-03. Review status: criteria provided, single submitter. Criteria: GeneDx Variant Classification Process June 2021. Collection method: clinical testing. Allele origin: germline. Affected: yes.
Comment: Not observed at significant frequency in large population cohorts (gnomAD); In silico analysis indicates that this missense variant does not alter protein structure/function; Has not been previously published as pathogenic or benign to our knowledge

NM_001540.5(HSPB1):c.272C>G (p.Thr91Ser)

Gene: HSPB1 (heat shock protein family B (small) member 1; plus strand). Cytogenetic location: 7q11.23.
Variant type: single nucleotide variant.
Coding change: c.272C>G on transcript NM_001540.5 (MANE Select); coding-DNA position 272, C replaced by G.
Protein change: p.Thr91Ser; replaces threonine 91 with serine.
Molecular consequence: missense variant.
Genome position (GRCh38, 1-based): chr7:76,302,984, C>G. VCF-style: chr7-76302984-C-G. GRCh37 (hg19) VCF-style: chr7-75932301-C-G.
Other names: short protein forms T91S.
Identifiers: ClinVar variation 3603080 (VCV003603080.1).